The following is an entry in ClinVar:

NM_000780.4(CYP7A1):c.1090C>G (p.Arg364Gly)

Genes: CYP7A1 (cytochrome P450 family 7 subfamily A member 1; minus strand), LOC126860400 (BRD4-independent group 4 enhancer GRCh37_chr8:59404317-59405516; plus strand). Cytogenetic location: 8q12.1.
Variant type: single nucleotide variant.
Coding change: c.1090C>G on transcript NM_000780.4 (MANE Select); coding-DNA position 1090, C replaced by G.
Protein change: p.Arg364Gly; replaces arginine 364 with glycine.
Molecular consequence: missense variant.
Genome position (GRCh38, 1-based): chr8:58,492,478, G>C on the plus strand (C>G on the coding strand, the complement: CYP7A1 is on the minus strand). VCF-style: chr8-58492478-G-C. GRCh37 (hg19) VCF-style: chr8-59405037-G-C.
Other names: short protein forms R364G.
Identifiers: ClinVar variation 3644573 (VCV003644573.2).
Genomic context (GRCh38, chr8:58,492,478, plus strand): 5'-CTTTTCGGATGTTGTAGGAACCGTCCTCAAGGTGCAAAGTGAAATCCTCCTTAGCTGTCC[G>C]GATGTTGAGGGAGGCACTGGAAAGCCTCAGCGATTCCTTGATTATACTATCTAAACATTT-3'
Protein context (NP_000771.2, residues 354-374): LRLSSASLNI[Arg364Gly]TAKEDFTLHL

ClinVar aggregate classification (germline): Uncertain significance (1 of 4 stars; one submission).

Submission:

Labcorp Genetics (formerly Invitae), Labcorp
Classification: Uncertain significance. Last evaluated: 2025-01-11. Review status: criteria provided, single submitter. Criteria: Invitae Variant Classification Sherloc (09022015). Collection method: clinical testing. Allele origin: germline.
Comment: This sequence change replaces arginine, which is basic and polar, with glycine, which is neutral and non-polar, at codon 364 of the CYP7A1 protein (p.Arg364Gly). This variant is not present in population databases (gnomAD no frequency). This variant has not been reported in the literature in individuals affected with CYP7A1-related conditions. Invitae Evidence Modeling of protein sequence and biophysical properties (such as structural, functional, and spatial information, amino acid conservation, physicochemical variation, residue mobility, and thermodynamic stability) indicates that this missense variant is expected to disrupt CYP7A1 protein function with a positive predictive value of 80%. In summary, the available evidence is currently insufficient to determine the role of this variant in disease. Therefore, it has been classified as a Variant of Uncertain Significance.